The following is an entry in ClinVar:

NM_001330078.2(NRXN1):c.-217C>G

Gene: NRXN1 (neurexin 1; minus strand). Cytogenetic location: 2p16.3.
Variant type: single nucleotide variant.
Coding change: c.-217C>G on transcript NM_001330078.2 (MANE Select); 217 bases upstream of the start codon, C replaced by G.
Molecular consequence: 5 prime UTR variant.
Genome position (GRCh38, 1-based): chr2:51,028,490, G>C on the plus strand (C>G on the coding strand, the complement: NRXN1 is on the minus strand). VCF-style: chr2-51028490-G-C. GRCh37 (hg19) VCF-style: chr2-51255628-G-C.
Other names: c.-217C>G (NM_001135659.3, NM_001330077.2, NM_001330079.2 and 15 more transcripts).
Identifiers: ClinVar variation 336559 (VCV000336559.5), dbSNP rs201073462, ClinGen allele CA10613659.
Genomic context (GRCh38, chr2:51,028,490, plus strand): 5'-CTTCTTCTTCTTCCAATAACCCCGCCCTCTCTCCCTGTAGTCCTCTTCCAACTGGAAAAC[G>C]TTGACCCCAGTGGTACAGGGTAGCCACAGAACTTCCAGACCAAAGGGAGGATGCACTTTG-3'

ClinVar aggregate classification (germline): Likely benign (1 of 4 stars; one submission).

Conditions:
Pitt-Hopkins-like syndrome 2 (PTHSL2). Identifiers: Orphanet 221150, Orphanet 600663, MedGen C3280479, MONDO:0013690, OMIM 614325.

Allele frequency attached by ClinVar (database versions not stated): gnomAD 0.00006 and 0.00010; TOPMed 0.00017; gnomAD exomes 0.00028; 1000 Genomes Project 30x 0.00047; 1000 Genomes Project 0.00060.
gnomAD v4.1: 88 of 422,466 alleles (0.021%); highest among the groups gnomAD compares: East Asian, 0.29%; 1 homozygote.

Submission:

Illumina Laboratory Services, Illumina
Classification: Likely benign for Pitt-Hopkins-like syndrome 2. Last evaluated: 2018-01-13. Review status: criteria provided, single submitter. Criteria: ICSL Variant Classification Criteria 13 December 2019. Collection method: clinical testing. Allele origin: germline.
Comment: This variant was observed in the ICSL laboratory as part of a predisposition screen in an ostensibly healthy population. It had not been previously curated by ICSL or reported in the Human Gene Mutation Database (HGMD: prior to June 1st, 2018), and was therefore a candidate for classification through an automated scoring system. Utilizing variant allele frequency, disease prevalence and penetrance estimates, and inheritance mode, an automated score was calculated to assess if this variant is too frequent to cause the disease. Based on the score and internal cut-off values, a variant classified as likely benign is not then subjected to further curation. The score for this variant resulted in a classification of likely benign for this disease.